The following is an entry in ClinVar:

ClinVar aggregate classification (germline): Uncertain significance. Review status: criteria provided, multiple submitters, no conflicts (2 of 4 stars). 2 submissions from 2 submitters: Uncertain significance (2). Last evaluated 2024-03-07.

Conditions:
Hereditary cancer-predisposing syndrome. Also called: Hereditary neoplastic syndrome; Neoplastic Syndromes, Hereditary; Tumor predisposition; Hereditary Cancer Syndrome. Identifiers: Orphanet 140162, MedGen C0027672, MeSH D009386, MONDO:0015356.

Allele frequency attached by ClinVar (database versions not stated): TOPMed below 0.00001.

Submissions (2):

Color Diagnostics, LLC DBA Color Health
Classification: Uncertain significance for Hereditary cancer-predisposing syndrome. Last evaluated: 2024-03-07. Review status: criteria provided, single submitter. Criteria: ACMG Guidelines, 2015. Collection method: clinical testing. Allele origin: germline.
Comment: This missense variant replaces alanine with glutamic acid at codon 678 of the BRIP1 protein. Computational prediction suggests that this variant may not impact protein structure and function (internally defined REVEL score threshold <= 0.5, PMID: 27666373). To our knowledge, functional studies have not been reported for this variant. This variant has not been reported in individuals affected with hereditary cancer in the literature. This variant has not been identified in the general population by the Genome Aggregation Database (gnomAD). The available evidence is insufficient to determine the role of this variant in disease conclusively. Therefore, this variant is classified as a Variant of Uncertain Significance.

GeneDx
Classification: Uncertain significance. Last evaluated: 2020-02-07. Review status: criteria provided, single submitter. Criteria: GeneDx Variant Classification Process June 2021. Collection method: clinical testing. Allele origin: germline. Affected: yes.
Comment: Has not been previously published as pathogenic or benign to our knowledge; Not observed in large population cohorts (Lek 2016); In silico analysis supports that this missense variant does not alter protein structure/function

NM_032043.3(BRIP1):c.2033C>A (p.Ala678Glu)

Gene: BRIP1 (BRCA1 interacting DNA helicase 1; minus strand). Cytogenetic location: 17q23.2.
Variant type: single nucleotide variant.
Coding change: c.2033C>A on transcript NM_032043.3 (MANE Select); coding-DNA position 2033, C replaced by A.
Protein change: p.Ala678Glu; replaces alanine 678 with glutamic acid.
Molecular consequence: missense variant.
Genome position (GRCh38, 1-based): chr17:61,776,465, G>T on the plus strand (C>A on the coding strand, the complement: BRIP1 is on the minus strand). VCF-style: chr17-61776465-G-T. GRCh37 (hg19) VCF-style: chr17-59853826-G-T.
Other names: short protein forms A678E.
Identifiers: ClinVar variation 1320938 (VCV001320938.4), dbSNP rs1211313166, ClinGen allele CA400478253.